The following is an entry in ClinVar:

NM_020779.4(WDR35):c.2599G>A (p.Ala867Thr)

Gene: WDR35 (WD repeat domain 35; minus strand). Cytogenetic location: 2p24.1.
Variant type: single nucleotide variant.
Coding change: c.2599G>A on transcript NM_020779.4 (MANE Select); coding-DNA position 2599, G replaced by A.
Protein change: p.Ala867Thr; replaces alanine 867 with threonine.
Molecular consequence: missense variant.
Genome position (GRCh38, 1-based): chr2:19,933,460, C>T on the plus strand (G>A on the coding strand, the complement: WDR35 is on the minus strand). VCF-style: chr2-19933460-C-T. GRCh37 (hg19) VCF-style: chr2-20133221-C-T.
Other names: c.2632G>A, p.Ala878Thr (NM_001006657.2); short protein forms A878T, A867T.
Identifiers: ClinVar variation 333378 (VCV000333378.34), dbSNP rs2293669, ClinGen allele CA1542901.

ClinVar aggregate classification (germline): Benign/Likely benign. Review status: criteria provided, multiple submitters, no conflicts (2 of 4 stars). 11 submissions from 10 submitters: Benign (8); Likely benign (1). 2 of the submissions do not count toward it. Last evaluated 2026-02-01.

Conditions:
Cranioectodermal dysplasia 2 (CED2). Identifiers: Orphanet 1515, MedGen C3150874, MONDO:0013323, OMIM 613610.
Short-rib thoracic dysplasia 7 with or without polydactyly (SRTD7). Also called: SHORT-RIB THORACIC DYSPLASIA 7 WITH POLYDACTYLY; Short rib polydactyly syndrome 5. Identifiers: Orphanet 498497, Orphanet 93271, MedGen C3279792, MONDO:0013569, OMIM 614091.

Allele frequency attached by ClinVar (database versions not stated): 1000 Genomes Project 0.04193; 1000 Genomes Project 30x 0.04372; gnomAD exomes 0.05283 and 0.06857; TOPMed 0.05368; ExAC 0.05447; gnomAD 0.05482 and 0.05563; ESP Exome Variant Server 0.06451.
gnomAD v4.1: 108,102 of 1,613,370 alleles (6.7%); highest among the groups gnomAD compares: Non-Finnish European, 7.7%; 3,946 homozygotes.

Submissions (11):

Labcorp Genetics (formerly Invitae), Labcorp
Classification: Benign for Cranioectodermal dysplasia 2; Short-rib thoracic dysplasia 7 with or without polydactyly. Last evaluated: 2026-02-01. Review status: criteria provided, single submitter. Criteria: Invitae Variant Classification Sherloc (09022015). Collection method: clinical testing. Allele origin: germline.

ARUP Laboratories, Molecular Genetics and Genomics, ARUP Laboratories
Classification: Benign. Last evaluated: 2025-06-13. Review status: criteria provided, single submitter. Criteria: ARUP Molecular Germline Variant Investigation Process 2024. Collection method: clinical testing. Allele origin: germline.

Blueprint Genetics
Classification: Likely benign. Last evaluated: 2024-11-26. Review status: criteria provided, single submitter. Criteria: ACMG Guidelines, 2015. Collection method: clinical testing. Allele origin: germline.

Mayo Clinic Laboratories, Mayo Clinic
Classification: Benign. Last evaluated: 2022-11-26. Review status: criteria provided, single submitter. Criteria: ACMG Guidelines, 2015. Collection method: clinical testing. Allele origin: germline. Observed: 19 variant alleles.

Mendelics
Classification: Benign for Cranioectodermal dysplasia 2. Last evaluated: 2019-05-28. Review status: criteria provided, single submitter. Criteria: Mendelics Assertion Criteria 2017. Collection method: clinical testing. Allele origin: unknown.

GeneDx
Classification: Benign. Last evaluated: 2018-09-21. Review status: criteria provided, single submitter. Criteria: GeneDx Variant Classification Process June 2021. Collection method: clinical testing. Allele origin: germline. Affected: yes.

Illumina Laboratory Services, Illumina
Classification: Benign for Short-rib thoracic dysplasia 7 with or without polydactyly. Last evaluated: 2018-01-12. Review status: criteria provided, single submitter. Criteria: ICSL Variant Classification Criteria 13 December 2019. Collection method: clinical testing. Allele origin: germline.
Comment: This variant was observed in the ICSL laboratory as part of a predisposition screen in an ostensibly healthy population. It had not been previously curated by ICSL or reported in the Human Gene Mutation Database (HGMD: prior to June 1st, 2018), and was therefore a candidate for classification through an automated scoring system. Utilizing variant allele frequency, disease prevalence and penetrance estimates, and inheritance mode, an automated score was calculated to assess if this variant is too frequent to cause the disease. Based on the score and internal cut-off values, a variant classified as benign is not then subjected to further curation. The score for this variant resulted in a classification of benign for this disease.

Illumina Laboratory Services, Illumina
Classification: Benign for Cranioectodermal dysplasia 2. Last evaluated: 2018-01-12. Review status: criteria provided, single submitter. Criteria: ICSL Variant Classification Criteria 13 December 2019. Collection method: clinical testing. Allele origin: germline.
Comment: the same text as in the submission from Illumina Laboratory Services, Illumina above.

Breakthrough Genomics
Classification: Benign. Review status: criteria provided, single submitter. Criteria: ACMG Guidelines, 2015. Collection method: not provided. Allele origin: germline. Inheritance: Autosomal recessive inheritance. Affected: yes.

Clinical Genetics DNA and cytogenetics Diagnostics Lab, Erasmus MC, Erasmus Medical Center
Classification: Benign. Review status: no assertion criteria provided. Collection method: clinical testing. Allele origin: germline. Affected: yes. Study: VKGL Data-share Consensus. Not counted in ClinVar's aggregate classification.

Joint Genome Diagnostic Labs from Nijmegen and Maastricht, Radboudumc and MUMC+
Classification: Benign. Review status: no assertion criteria provided. Collection method: clinical testing. Allele origin: germline. Affected: yes. Study: VKGL Data-share Consensus. Not counted in ClinVar's aggregate classification.